The following is an entry in ClinVar:

ClinVar aggregate classification (germline): Likely benign. Review status: criteria provided, single submitter (1 of 4 stars). 2 submissions from 2 submitters: Likely benign (1). 1 of the submissions does not count toward it. Last evaluated 2025-09-08.

Conditions:
MGP-related disorder. Also called: MGP-related condition.

Allele frequency attached by ClinVar (database versions not stated): gnomAD exomes 0.00013 and 0.00031; 1000 Genomes Project 30x 0.00109; gnomAD 0.00117 and 0.00126; TOPMed 0.00117; ESP Exome Variant Server 0.00161; ExAC 0.00043; 1000 Genomes Project 0.00100.
gnomAD v4.1: 365 of 1,614,010 alleles (0.023%); highest among the groups gnomAD compares: African/African-American, 0.44%; no homozygotes.

Submissions (2):

Labcorp Genetics (formerly Invitae), Labcorp
Classification: Likely benign. Last evaluated: 2025-09-08. Review status: criteria provided, single submitter. Criteria: Invitae Variant Classification Sherloc (09022015). Collection method: clinical testing. Allele origin: germline.

PreventionGenetics, part of Exact Sciences
Classification: Likely benign for MGP-related condition. Last evaluated: 2022-07-25. Review status: no assertion criteria provided. Collection method: clinical testing. Allele origin: germline. Not counted in ClinVar's aggregate classification.
Comment: This variant is classified as likely benign based on ACMG/AMP sequence variant interpretation guidelines (Richards et al. 2015 PMID: 25741868, with internal and published modifications).

NM_000900.5(MGP):c.299G>A (p.Arg100Gln)

Gene: MGP (matrix Gla protein; minus strand). Cytogenetic location: 12p12.3.
Variant type: single nucleotide variant.
Coding change: c.299G>A on transcript NM_000900.5 (MANE Select); coding-DNA position 299, G replaced by A.
Protein change: p.Arg100Gln; replaces arginine 100 with glutamine.
Molecular consequence: missense variant.
Genome position (GRCh38, 1-based): chr12:14,882,152, C>T on the plus strand (G>A on the coding strand, the complement: MGP is on the minus strand). VCF-style: chr12-14882152-C-T. GRCh37 (hg19) VCF-style: chr12-15035086-C-T.
Other names: c.374G>A, p.Arg125Gln (NM_001190839.3); c.299G>A (NM_000900.4); short protein forms R125Q, R100Q.
Identifiers: ClinVar variation 785395 (VCV000785395.11), dbSNP rs145254250, ClinGen allele CA6465116.